The following is an entry in ClinVar:

NM_001267550.2(TTN):c.92661del (p.Ala30888fs)

Genes: TTN (titin; minus strand), TTN-AS1 (TTN antisense RNA 1; plus strand). Cytogenetic location: 2q31.2.
Variant type: Deletion.
Coding change: c.92661del on transcript NM_001267550.2 (MANE Select); coding-DNA position 92661, one base deleted (A; older notation c.92661delA).
Protein change: p.Ala30888fs; shifts the reading frame from alanine 30888.
Molecular consequence: frameshift variant.
Genome position (GRCh38, 1-based): chr2:178,548,965, T deleted on the plus strand (A on the coding strand, the reverse complement: TTN is on the minus strand); the first of 2 consecutive T bases (chr2:178,548,965-178,548,966); deleting either gives the same sequence. VCF-style (leftmost placement, unchanged base first): chr2-178548964-CT-C. GRCh37 (hg19) VCF-style: chr2-179413691-CT-C.
Other names: c.87738del, p.Ala29247fs (NM_001256850.1); c.65466del, p.Ala21823fs (NM_003319.4); c.84957del, p.Ala28320fs (NM_133378.4); c.65841del, p.Ala21948fs (NM_133432.3); c.66042del, p.Ala22015fs (NM_133437.4); c.65466delA (NM_003319.4); short protein forms A21823fs, A21948fs, A22015fs, A28320fs, A29247fs, A30888fs.
Identifiers: ClinVar variation 3223332 (VCV003223332.1), dbSNP rs2469148059, ClinGen allele CA2825001013.

ClinVar aggregate classification (germline): Likely pathogenic (1 of 4 stars; one submission).

Conditions:
Cardiovascular phenotype. Identifiers: MedGen CN230736.

Submission:

Ambry Genetics
Classification: Likely pathogenic for Cardiovascular phenotype. Last evaluated: 2023-11-29. Review status: criteria provided, single submitter. Criteria: Ambry Variant Classification Scheme 2023. Collection method: clinical testing. Allele origin: germline.
Comment: The c.65466delA variant, located in coding exon 166 of the TTN gene, results from a deletion of one nucleotide at nucleotide position 65466, causing a translational frameshift with a predicted alternate stop codon (p.A21823Qfs*23). This exon is located in the A-band region of the N2-B isoform of the titin protein and is constitutively expressed in TTN transcripts (percent spliced in or PSI 100%). This variant is considered to be rare based on population cohorts in the Genome Aggregation Database (gnomAD). This alteration is expected to result in loss of function by premature protein truncation or nonsense-mediated mRNA decay. While truncating variants in TTN are present in 1-3% of the general population, truncating variants in the A-band are the most common cause of dilated cardiomyopathy (DCM) (Herman DS et al. N. Engl. J. Med., 2012 Feb;366:619-28; Roberts AM et al. Sci Transl Med, 2015 Jan;7:270ra6). TTN truncating variants encoded in constitutive exons (PSI >90%) have been found to be significantly associated with DCM regardless of their position in titin (Schafer S et al. Nat. Genet., 2017 01;49:46-53). Based on the majority of available evidence to date, this variant is likely to be pathogenic.